The following is an entry in ClinVar:

ClinVar aggregate classification (germline): Uncertain significance. Review status: criteria provided, multiple submitters, no conflicts (2 of 4 stars). 2 submissions from 2 submitters: Uncertain significance (2). Last evaluated 2025-10-21.

Conditions:
Hereditary nonpolyposis colorectal neoplasms. Identifiers: MedGen C0009405, MeSH D003123.
Hereditary cancer-predisposing syndrome. Also called: Hereditary Cancer Syndrome; Hereditary neoplastic syndrome; Neoplastic Syndromes, Hereditary; Tumor predisposition. Identifiers: Orphanet 140162, MedGen C0027672, MeSH D009386, MONDO:0015356.

Submissions (2):

Labcorp Genetics (formerly Invitae), Labcorp
Classification: Uncertain significance for Hereditary nonpolyposis colorectal neoplasms. Last evaluated: 2025-10-21. Review status: criteria provided, single submitter. Criteria: Invitae Variant Classification Sherloc (09022015). Collection method: clinical testing. Allele origin: germline.
Comment: This sequence change replaces leucine, which is neutral and non-polar, with phenylalanine, which is neutral and non-polar, at codon 206 of the PMS2 protein (p.Leu206Phe). This variant is not present in population databases (gnomAD no frequency). This variant has not been reported in the literature in individuals affected with PMS2-related conditions. ClinVar contains an entry for this variant (Variation ID: 1751993). Invitae Evidence Modeling incorporating data from in vitro experimental studies (internal data) indicates that this missense variant is not expected to disrupt PMS2 function with a negative predictive value of 95%. In summary, the available evidence is currently insufficient to determine the role of this variant in disease. Therefore, it has been classified as a Variant of Uncertain Significance.

Ambry Genetics
Classification: Uncertain significance for Hereditary cancer-predisposing syndrome. Last evaluated: 2018-03-16. Review status: criteria provided, single submitter. Criteria: Ambry Variant Classification Scheme 2023. Collection method: clinical testing. Allele origin: germline.
Comment: The p.L206F variant (also known as c.616C>T), located in coding exon 6 of the PMS2 gene, results from a C to T substitution at nucleotide position 616. The leucine at codon 206 is replaced by phenylalanine, an amino acid with highly similar properties. This amino acid position is poorly conserved in available vertebrate species. In addition, this alteration is predicted to be tolerated by in silico analysis. Since supporting evidence is limited at this time, the clinical significance of this alteration remains unclear.

NM_000535.7(PMS2):c.616C>T (p.Leu206Phe)

Gene: PMS2 (PMS1 homolog 2, mismatch repair system component; minus strand). Cytogenetic location: 7p22.1.
Variant type: single nucleotide variant.
Coding change: c.616C>T on transcript NM_000535.7 (MANE Select); coding-DNA position 616, C replaced by T.
Protein change: p.Leu206Phe; replaces leucine 206 with phenylalanine.
Molecular consequence: missense variant. On other transcripts: 5 prime UTR variant (2), non-coding transcript variant (1), intron variant (1).
Genome position (GRCh38, 1-based): chr7:5,999,197, G>A on the plus strand (C>T on the coding strand, the complement: PMS2 is on the minus strand). VCF-style: chr7-5999197-G-A. GRCh37 (hg19) VCF-style: chr7-6038828-G-A.
Other names: c.211C>T, p.Leu71Phe (NM_001018040.1, NM_001322003.2, NM_001322004.2 and 20 more transcripts); c.616C>T, p.Leu206Phe (NM_001322006.2, NM_001322014.2, NM_001406870.1 and 4 more transcripts); c.298C>T, p.Leu100Phe (NM_001322007.2, NM_001322008.2, NM_001406876.1 and 4 more transcripts); c.-318C>T (NM_001322011.2, NM_001322012.2); c.307C>T, p.Leu103Phe (NM_001322015.2, NM_001406875.1, NM_001406877.1 and 6 more transcripts); c.802C>T, p.Leu268Phe (NM_001406866.1); c.640C>T, p.Leu214Phe (NM_001406868.1); c.280C>T, p.Leu94Phe (NM_001406885.1); and 1 more; short protein forms L268F, L71F, L94F, L214F, L206F, L100F, L103F.
Identifiers: ClinVar variation 1751993 (VCV001751993.3), dbSNP rs1784810588, ClinGen allele CA366743976.
Genomic context (GRCh38, chr7:5,999,197, plus strand): 5'-TTTCCTTTATGCTGGGGCTTCCACCTGTGCATACCACAGGCTGTCGTTTTCCTTGTCCAA[G>A]CTGATTGGTGCAACTTACACGGATGCCTGCTGAAATGATACAGTATGCATGTAAGACCTG-3'
Protein context (NP_000526.2, residues 196-216): AGIRVSCTNQ[Leu206Phe]GQGKRQPVVC